The following is an entry in ClinVar:

ClinVar aggregate classification (germline): Uncertain significance (1 of 4 stars; one submission).

Conditions:
Familial hypercholesterolemia. Also called: Familial hypercholesterolaemia. Identifiers: MedGen C0020445, MONDO:0005439.

gnomAD v4.1: 1 of 1,613,884 alleles (0.000062%); no homozygotes.

Submission:

Color Diagnostics, LLC DBA Color Health
Classification: Uncertain significance for Familial hypercholesterolemia. Last evaluated: 2021-01-19. Review status: criteria provided, single submitter. Criteria: ACMG Guidelines, 2015. Collection method: clinical testing. Allele origin: germline.
Comment: This missense variant replaces proline with leucine at codon 174 of the PCSK9 protein. Computational prediction suggests that this variant may not impact protein structure and function (internally defined REVEL score threshold <= 0.5, PMID: 27666373). To our knowledge, functional studies have not been reported for this variant. This variant has not been reported in individuals affected with familial hypercholesterolemia in the literature. This variant has not been identified in the general population by the Genome Aggregation Database (gnomAD). The available evidence is insufficient to determine the role of this variant in disease conclusively. Therefore, this variant is classified as a Variant of Uncertain Significance.

NM_174936.4(PCSK9):c.521C>T (p.Pro174Leu)

Gene: PCSK9 (proprotein convertase subtilisin/kexin type 9; plus strand). Cytogenetic location: 1p32.3.
Variant type: single nucleotide variant.
Coding change: c.521C>T on transcript NM_174936.4 (MANE Select); coding-DNA position 521, C replaced by T.
Protein change: p.Pro174Leu; replaces proline 174 with leucine.
Molecular consequence: missense variant.
Genome position (GRCh38, 1-based): chr1:55,046,644, C>T. VCF-style: chr1-55046644-C-T. GRCh37 (hg19) VCF-style: chr1-55512317-C-T.
Other names: short protein forms P174L.
Identifiers: ClinVar variation 1171853 (VCV001171853.2), dbSNP rs2100276777, ClinGen allele CA340484874.